The following is an entry in ClinVar:

ClinVar aggregate classification (germline): Uncertain significance (1 of 4 stars; one submission).

Allele frequency attached by ClinVar (database versions not stated): gnomAD exomes below 0.00001; ExAC 0.00001.
gnomAD v4.1: 4 of 1,613,666 alleles (0.00025%); highest among the groups gnomAD compares: Non-Finnish European, 0.00034%; no homozygotes.

Submission:

Labcorp Genetics (formerly Invitae), Labcorp
Classification: Uncertain significance. Last evaluated: 2021-10-11. Review status: criteria provided, single submitter. Criteria: Invitae Variant Classification Sherloc (09022015). Collection method: clinical testing. Allele origin: germline.
Comment: In summary, the available evidence is currently insufficient to determine the role of this variant in disease. Therefore, it has been classified as a Variant of Uncertain Significance. This sequence change replaces lysine with asparagine at codon 518 of the COL9A3 protein (p.Lys518Asn). The lysine residue is highly conserved and there is a moderate physicochemical difference between lysine and asparagine. The frequency data for this variant in the population databases is considered unreliable, as metrics indicate poor data quality at this position in the ExAC database. This variant has not been reported in the literature in individuals affected with COL9A3-related conditions. Advanced modeling of protein sequence and biophysical properties (such as structural, functional, and spatial information, amino acid conservation, physicochemical variation, residue mobility, and thermodynamic stability) performed at Invitae indicates that this missense variant is not expected to disrupt COL9A3 protein function.

NM_001853.4(COL9A3):c.1554G>C (p.Lys518Asn)

Genes: COL9A3 (collagen type IX alpha 3 chain; plus strand), LOC126863084 (MED14-independent group 3 enhancer GRCh37_chr20:61467141-61468340; plus strand). Cytogenetic location: 20q13.33.
Variant type: single nucleotide variant.
Coding change: c.1554G>C on transcript NM_001853.4 (MANE Select); coding-DNA position 1554, G replaced by C.
Protein change: p.Lys518Asn; replaces lysine 518 with asparagine.
Molecular consequence: missense variant.
Genome position (GRCh38, 1-based): chr20:62,836,483, G>C. VCF-style: chr20-62836483-G-C. GRCh37 (hg19) VCF-style: chr20-61467835-G-C.
Other names: short protein forms K518N.
Identifiers: ClinVar variation 1369207 (VCV001369207.6), dbSNP rs768274655, ClinGen allele CA9950065.